The following is an entry in ClinVar:

ClinVar aggregate classification (germline): Uncertain significance (1 of 4 stars; one submission).

Submission:

Labcorp Genetics (formerly Invitae), Labcorp
Classification: Uncertain significance. Last evaluated: 2021-12-02. Review status: criteria provided, single submitter. Criteria: Invitae Variant Classification Sherloc (09022015). Collection method: clinical testing. Allele origin: germline.
Comment: This sequence change replaces asparagine, which is neutral and polar, with serine, which is neutral and polar, at codon 739 of the GRM7 protein (p.Asn739Ser). In summary, the available evidence is currently insufficient to determine the role of this variant in disease. Therefore, it has been classified as a Variant of Uncertain Significance. Algorithms developed to predict the effect of missense changes on protein structure and function (SIFT, PolyPhen-2, Align-GVGD) all suggest that this variant is likely to be tolerated. This variant has not been reported in the literature in individuals affected with GRM7-related conditions. This variant is not present in population databases (gnomAD no frequency).

NM_000844.4(GRM7):c.2216A>G (p.Asn739Ser)

Gene: GRM7 (glutamate metabotropic receptor 7; plus strand). Cytogenetic location: 3p26.1.
Variant type: single nucleotide variant.
Coding change: c.2216A>G on transcript NM_000844.4 (MANE Select); coding-DNA position 2216, A replaced by G.
Protein change: p.Asn739Ser; replaces asparagine 739 with serine.
Molecular consequence: missense variant.
Genome position (GRCh38, 1-based): chr3:7,579,122, A>G. VCF-style: chr3-7579122-A-G. GRCh37 (hg19) VCF-style: chr3-7620809-A-G.
Other names: c.2216A>G, p.Asn739Ser (NM_181874.3); short protein forms N739S.
Identifiers: ClinVar variation 1349833 (VCV001349833.8), dbSNP rs2125053221, ClinGen allele CA351800713.
Genomic context (GRCh38, chr3:7,579,122, plus strand): 5'-TTTGGTTTGGTGTTGATCCACCCAACATCATCATAGACTATGATGAACACAAGACAATGA[A>G]CCCTGAGCAAGCCAGAGGGGTTCTCAAGTGTGACATTACAGATCTCCAAATCATTTGCTC-3'
Protein context (NP_000835.1, residues 729-749): IIDYDEHKTM[Asn739Ser]PEQARGVLKC